The following is an entry in ClinVar:

NM_003070.5(SMARCA2):c.1685G>A (p.Arg562Lys)

Gene: SMARCA2 (SWI/SNF related BAF chromatin remodeling complex subunit ATPase 2; plus strand). Cytogenetic location: 9p24.3.
Variant type: single nucleotide variant.
Coding change: c.1685G>A on transcript NM_003070.5 (MANE Select); coding-DNA position 1685, G replaced by A.
Protein change: p.Arg562Lys; replaces arginine 562 with lysine.
Molecular consequence: missense variant.
Genome position (GRCh38, 1-based): chr9:2,060,979, G>A. VCF-style: chr9-2060979-G-A. GRCh37 (hg19) VCF-style: chr9-2060979-G-A.
Other names: c.1685G>A, p.Arg562Lys (NM_001289396.2, NM_001289397.2, NM_139045.4); short protein forms R562K.
Identifiers: ClinVar variation 1777988 (VCV001777988.6), dbSNP rs1444928556, ClinGen allele CA372782748.

ClinVar aggregate classification (germline): Conflicting classifications of pathogenicity. Review status: criteria provided, conflicting classifications (1 of 4 stars). 3 submissions from 3 submitters: Uncertain significance (1); Likely benign (2). Last evaluated 2025-01-02.

Conditions:
Inborn genetic diseases. Identifiers: MedGen C0950123, MeSH D030342.

Allele frequency attached by ClinVar (database versions not stated): gnomAD exomes below 0.00001; TOPMed below 0.00001; gnomAD 0.00001.
gnomAD v4.1: 4 of 1,613,390 alleles (0.00025%); highest among the groups gnomAD compares: African/African-American, 0.0027%; no homozygotes.

Submissions (3):

GeneDx
Classification: Likely benign. Last evaluated: 2025-01-02. Review status: criteria provided, single submitter. Criteria: GeneDx Variant Classification Process June 2021. Collection method: clinical testing. Allele origin: germline.
Comment: See Variant Classification Assertion Criteria.

Labcorp Genetics (formerly Invitae), Labcorp
Classification: Uncertain significance. Last evaluated: 2024-04-18. Review status: criteria provided, single submitter. Criteria: Invitae Variant Classification Sherloc (09022015). Collection method: clinical testing. Allele origin: germline.
Comment: This sequence change replaces arginine, which is basic and polar, with lysine, which is basic and polar, at codon 562 of the SMARCA2 protein (p.Arg562Lys). This variant is not present in population databases (gnomAD no frequency). This variant has not been reported in the literature in individuals affected with SMARCA2-related conditions. ClinVar contains an entry for this variant (Variation ID: 1777988). Advanced modeling of protein sequence and biophysical properties (such as structural, functional, and spatial information, amino acid conservation, physicochemical variation, residue mobility, and thermodynamic stability) performed at Invitae indicates that this missense variant is not expected to disrupt SMARCA2 protein function with a negative predictive value of 95%. In summary, the available evidence is currently insufficient to determine the role of this variant in disease. Therefore, it has been classified as a Variant of Uncertain Significance.

Ambry Genetics
Classification: Likely benign for Inborn genetic diseases. Last evaluated: 2017-09-15. Review status: criteria provided, single submitter. Criteria: Ambry Variant Classification Scheme 2023. Collection method: clinical testing. Allele origin: germline.